The following is an entry in ClinVar:

ClinVar aggregate classification (germline): Uncertain significance (1 of 4 stars; one submission).

Submission:

Labcorp Genetics (formerly Invitae), Labcorp
Classification: Uncertain significance. Last evaluated: 2023-12-30. Review status: criteria provided, single submitter. Criteria: Invitae Variant Classification Sherloc (09022015). Collection method: clinical testing. Allele origin: germline.
Comment: This sequence change replaces tyrosine, which is neutral and polar, with asparagine, which is neutral and polar, at codon 103 of the ATPAF2 protein (p.Tyr103Asn). This variant is not present in population databases (gnomAD no frequency). This variant has not been reported in the literature in individuals affected with ATPAF2-related conditions. Advanced modeling of protein sequence and biophysical properties (such as structural, functional, and spatial information, amino acid conservation, physicochemical variation, residue mobility, and thermodynamic stability) performed at Invitae indicates that this missense variant is not expected to disrupt ATPAF2 protein function with a negative predictive value of 80%. In summary, the available evidence is currently insufficient to determine the role of this variant in disease. Therefore, it has been classified as a Variant of Uncertain Significance.

NM_145691.4(ATPAF2):c.307T>A (p.Tyr103Asn)

Gene: ATPAF2 (ATP synthase mitochondrial F1 complex assembly factor 2; minus strand). Cytogenetic location: 17p11.2.
Variant type: single nucleotide variant.
Coding change: c.307T>A on transcript NM_145691.4 (MANE Select); coding-DNA position 307, T replaced by A.
Protein change: p.Tyr103Asn; replaces tyrosine 103 with asparagine.
Molecular consequence: missense variant.
Genome position (GRCh38, 1-based): chr17:18,028,249, A>T on the plus strand (T>A on the coding strand, the complement: ATPAF2 is on the minus strand). VCF-style: chr17-18028249-A-T. GRCh37 (hg19) VCF-style: chr17-17931563-A-T.
Other names: short protein forms Y103N.
Identifiers: ClinVar variation 2706565 (VCV002706565.3), dbSNP rs2545082518, ClinGen allele CA398578286.